The following is an entry in ClinVar:

NR_001566.3(TERC):n.319G>T

Genes: TERC (telomerase RNA component; minus strand), LOC110806306 (telomerase RNA component (TERC) promoter; plus strand). Cytogenetic location: 3q26.2.
Variant type: single nucleotide variant.
Molecular consequence: non-coding transcript variant (on NR_001566.3).
Genome position: GRCh38 VCF-style: chr3-169764742-C-A. GRCh37 (hg19) VCF-style: chr3-169482530-C-A.
Identifiers: ClinVar variation 4531880 (VCV004531880.1).

ClinVar aggregate classification (germline): Likely pathogenic (1 of 4 stars; one submission).

Conditions:
Dyskeratosis congenita, autosomal dominant 1 (DKCA1). Also called: Dyskeratosis congenita Scoggins type. Identifiers: Orphanet 1775, MedGen C4551974, MONDO:0007485, OMIM 127550. Inheritance: Variable.

Submission:

Victorian Clinical Genetics Services, Murdoch Childrens Research Institute
Classification: Likely pathogenic for Dyskeratosis congenita, autosomal dominant 1. Last evaluated: 2025-07-24. Review status: criteria provided, single submitter. Criteria: ACMG Guidelines, 2015. Collection method: clinical testing. Allele origin: germline. Affected: yes.
Comment: This variant is classified as Likely pathogenic. Evidence in support of pathogenic classification: Variant is absent from gnomAD (v2, v3 and v4); Clinically accredited laboratory assay shows abnormal function of product not specific to the gene. Another non-protein coding variant(s) comparable to the one identified in this case has moderate previous evidence for pathogenicity. n.319G>A has been classified as likely pathogenic by clinical laboratories in ClinVar. It has also been reported in the literature in two siblings with thrombocytopenia, pancytopenia and refractory anaemia. Both these siblings had telomere lengths no greater than the first percentile (PMID: 27587879). Additional information: Non-coding variant without known or predicted effect; This variant is heterozygous; This gene is associated with autosomal dominant disease; This variant has no previous evidence of pathogenicity; No published evidence of segregation with disease has been identified for this variant; Variant is located in the annotated CR4/CR5 region (PMID: 27587879). - Loss of function is a known mechanism of disease in this gene and is associated with dyskeratosis congenita, autosomal dominant 1 (MIM#127550) and pulmonary fibrosis and/or bone marrow failure syndrome, telomere-related, 2 (MIM#614743); The condition associated with this gene has incomplete penetrance (OMIM); Variants in this gene are known to have variable expressivity (OMIM); Inheritance information for this variant is not currently available in this individual.

Literature cited by the submitters: PubMed 27587879.